The following is an entry in ClinVar:

NM_001354604.2(MITF):c.*228C>T

Gene: MITF (melanocyte inducing transcription factor; plus strand). Cytogenetic location: 3p13.
Variant type: single nucleotide variant.
Coding change: c.*228C>T on transcript NM_001354604.2 (MANE Select); 228 bases downstream of the stop codon, C replaced by T.
Molecular consequence: 3 prime UTR variant.
Genome position (GRCh38, 1-based): chr3:69,965,476, C>T. VCF-style: chr3-69965476-C-T. GRCh37 (hg19) VCF-style: chr3-70014627-C-T.
Other names: c.*228C>T (NM_000248.4, NM_001184967.2, NM_001354605.2 and 8 more transcripts).
Identifiers: ClinVar variation 346506 (VCV000346506.6), dbSNP rs190540926, ClinGen allele CA10619394.
Genomic context (GRCh38, chr3:69,965,476, plus strand): 5'-GACTTGTATATTCTATTTTACAACTACAAATGCCTCCAAAGTATTGTACAAATAAGTGTG[C>T]AGTATCTGTGAACTGAATTCACCACAGACTTTAGCTTTCTGAGCAAGAGGATTTTGCGTC-3'

ClinVar aggregate classification (germline): Benign. Review status: criteria provided, multiple submitters, no conflicts (2 of 4 stars). 3 submissions from 2 submitters: Benign (3). Last evaluated 2018-01-13.

Conditions:
Waardenburg syndrome type 2A (WS2A). Also called: WAARDENBURG SYNDROME WITHOUT DYSTOPIA CANTHORUM. Identifiers: Orphanet 3440, MedGen C1860339, MONDO:0008671, OMIM 193510.
Tietz syndrome (TADS). Also called: ALBINISM-DEAFNESS OF TIETZ; HYPOPIGMENTATION/DEAFNESS OF TIETZ; TIETZ ALBINISM-DEAFNESS SYNDROME. Identifiers: Orphanet 42665, MedGen C0391816, MONDO:0007077, OMIM 103500.

Allele frequency attached by ClinVar (database versions not stated): gnomAD exomes 0.00009; 1000 Genomes Project 30x 0.00047; gnomAD 0.00060 and 0.00069; TOPMed 0.00062; 1000 Genomes Project 0.00080.
gnomAD v4.1: 120 of 473,782 alleles (0.025%); highest among the groups gnomAD compares: African/African-American, 0.19%; no homozygotes.

Submissions (3):

Illumina Laboratory Services, Illumina
Classification: Benign for Waardenburg syndrome type 2A. Last evaluated: 2018-01-13. Review status: criteria provided, single submitter. Criteria: ICSL Variant Classification Criteria 13 December 2019. Collection method: clinical testing. Allele origin: germline.
Comment: This variant was observed in the ICSL laboratory as part of a predisposition screen in an ostensibly healthy population. It had not been previously curated by ICSL or reported in the Human Gene Mutation Database (HGMD: prior to June 1st, 2018), and was therefore a candidate for classification through an automated scoring system. Utilizing variant allele frequency, disease prevalence and penetrance estimates, and inheritance mode, an automated score was calculated to assess if this variant is too frequent to cause the disease. Based on the score and internal cut-off values, a variant classified as benign is not then subjected to further curation. The score for this variant resulted in a classification of benign for this disease.

Illumina Laboratory Services, Illumina
Classification: Benign for Tietz syndrome. Last evaluated: 2018-01-13. Review status: criteria provided, single submitter. Criteria: ICSL Variant Classification Criteria 13 December 2019. Collection method: clinical testing. Allele origin: germline.
Comment: the same text as in the submission from Illumina Laboratory Services, Illumina above.

Breakthrough Genomics
Classification: Benign. Review status: criteria provided, single submitter. Criteria: ACMG Guidelines, 2015. Collection method: not provided. Allele origin: germline. Inheritance: Autosomal recessive inheritance. Affected: yes.